The following is an entry in ClinVar:

NM_178565.5(RSPO2):c.-6G>A

Genes: RSPO2 (R-spondin 2; minus strand), LOC124174315 (Sharpr-MPRA regulatory region 222; plus strand). Cytogenetic location: 8q23.1.
Variant type: single nucleotide variant.
Coding change: c.-6G>A on transcript NM_178565.5 (MANE Select); 6 bases upstream of the start codon, G replaced by A.
Molecular consequence: 5 prime UTR variant.
Genome position (GRCh38, 1-based): chr8:108,082,644, C>T on the plus strand (G>A on the coding strand, the complement: RSPO2 is on the minus strand). VCF-style: chr8-108082644-C-T. GRCh37 (hg19) VCF-style: chr8-109094872-C-T.
Other names: c.-6G>A (NM_001282863.2).
Identifiers: ClinVar variation 3051547 (VCV003051547.2), dbSNP rs182423206, ClinGen allele CA4841711.

ClinVar aggregate classification (germline): Likely benign (0 of 4 stars; one submission).

Conditions:
RSPO2-related disorder. Also called: RSPO2-related condition.

Allele frequency attached by ClinVar (database versions not stated): ExAC 0.00022; ESP Exome Variant Server 0.00054; TOPMed 0.00057; gnomAD 0.00059; 1000 Genomes Project 0.00080; 1000 Genomes Project 30x 0.00094.
gnomAD v4.1: 165 of 1,612,644 alleles (0.01%); highest among the groups gnomAD compares: African/African-American, 0.21%; no homozygotes.

Submission:

PreventionGenetics, part of Exact Sciences
Classification: Likely benign for RSPO2-related condition. Last evaluated: 2021-02-23. Review status: no assertion criteria provided. Collection method: clinical testing. Allele origin: germline.
Comment: This variant is classified as likely benign based on ACMG/AMP sequence variant interpretation guidelines (Richards et al. 2015 PMID: 25741868, with internal and published modifications).